The following is an entry in ClinVar:

NM_004204.5(PIGQ):c.1521C>G (p.Tyr507Ter)

Gene: PIGQ (phosphatidylinositol glycan anchor biosynthesis class Q; plus strand). Cytogenetic location: 16p13.3.
Variant type: single nucleotide variant.
Coding change: c.1521C>G on transcript NM_004204.5 (MANE Select); coding-DNA position 1521, C replaced by G.
Protein change: p.Tyr507Ter; replaces tyrosine 507 with a stop codon.
Molecular consequence: nonsense.
Genome position (GRCh38, 1-based): chr16:580,962, C>G. VCF-style: chr16-580962-C-G. GRCh37 (hg19) VCF-style: chr16-630962-C-G.
Other names: c.1521C>G, p.Tyr507Ter (NM_148920.4); short protein forms Y507*.
Identifiers: ClinVar variation 2115834 (VCV002115834.4), dbSNP rs759540917, ClinGen allele CA394059424.

ClinVar aggregate classification (germline): Pathogenic (1 of 4 stars; one submission).

Conditions:
Epilepsy. Also called: Seizure disorder. Identifiers: MedGen C0014544, MeSH D004827, MONDO:0005027.

Submission:

Labcorp Genetics (formerly Invitae), Labcorp
Classification: Pathogenic for Epilepsy. Last evaluated: 2022-03-23. Review status: criteria provided, single submitter. Criteria: Invitae Variant Classification Sherloc (09022015). Collection method: clinical testing. Allele origin: germline.
Comment: For these reasons, this variant has been classified as Pathogenic. This variant has not been reported in the literature in individuals affected with PIGQ-related conditions. This variant is not present in population databases (gnomAD no frequency). This sequence change creates a premature translational stop signal (p.Tyr507*) in the PIGQ gene. It is expected to result in an absent or disrupted protein product. Loss-of-function variants in PIGQ are known to be pathogenic (PMID: 24463883, 25558065).

Literature cited by the submitters: PubMed 24463883; PubMed 25558065.